The following is an entry in ClinVar:

NM_001349253.2(SCN11A):c.4113del (p.Ile1372fs)

Gene: SCN11A (sodium voltage-gated channel alpha subunit 11; minus strand). Cytogenetic location: 3p22.2.
Variant type: Deletion.
Coding change: c.4113del on transcript NM_001349253.2 (MANE Select); coding-DNA position 4113, one base deleted (C; older notation c.4113delC).
Protein change: p.Ile1372fs; shifts the reading frame from isoleucine 1372.
Molecular consequence: frameshift variant.
Genome position (GRCh38, 1-based): chr3:38,850,695, G deleted on the plus strand (C on the coding strand, the reverse complement: SCN11A is on the minus strand). VCF-style (leftmost placement, unchanged base first): chr3-38850694-TG-T. GRCh37 (hg19) VCF-style: chr3-38892185-TG-T.
Other names: c.4113del, p.Ile1372fs (NM_014139.3); c.4113delC (NM_014139.2); short protein forms I1372fs.
Identifiers: ClinVar variation 1493523 (VCV001493523.21), dbSNP rs1425003912, ClinGen allele CA542615963.
Genomic context (GRCh38, chr3:38,850,694, plus strand): 5'-TGGGTTGGTTGTATGATTCAGCCATCATGCTAATCATGTTTAGGATAATGAGACTTATGA[TG>T]ATGATGTCAAAGATCTGGCTTGTGACTATGTCGAACACGAGACCTTGACATTTGTTCTGA-3'

ClinVar aggregate classification (germline): Uncertain significance. Review status: criteria provided, multiple submitters, no conflicts (2 of 4 stars). 3 submissions from 3 submitters: Uncertain significance (3). Last evaluated 2026-06-09.

Conditions:
SCN11A-related disorder. Also called: SCN11A-related condition.
Hereditary sensory and autonomic neuropathy type 7. Also called: Neuropathy, hereditary sensory and autonomic, type VII; HSAN VII. Identifiers: Orphanet 391397, MedGen C3809882, MONDO:0014244, OMIM 615548.
Familial episodic pain syndrome with predominantly lower limb involvement. Also called: Episodic pain syndrome, familial, 3. Identifiers: Orphanet 391384, Orphanet 391392, MedGen C3809899, MONDO:0014247, OMIM 615552.

Allele frequency attached by ClinVar (database versions not stated): gnomAD exomes 0.00001 and 0.00002; TOPMed 0.00001.

Submissions (3):

PreventionGenetics, part of Exact Sciences
Classification: Uncertain significance for SCN11A-related condition. Last evaluated: 2026-06-09. Review status: criteria provided, single submitter. Criteria: ACMG Guidelines, 2015. Collection method: clinical testing. Allele origin: germline.
Comment: The SCN11A c.4113delC variant is predicted to result in a frameshift and premature protein termination (p.Ile1372Serfs*2). To our knowledge, this variant has not been reported in the literature. This variant is reported in 0.0018% of alleles in individuals of European (Non-Finnish) descent in gnomAD. Gain-of-function variants in this gene have been associated with disease; it is yet unclear whether or not loss-of-function variants have any effect on phenotype (Zhang et al. 2013. PubMed ID: 24207120). Many loss-of-function variants in SCN11A have been reported in the gnomAD database, indicating these variants are likely not causative for autosomal dominant disorders (pLI=0). At this time, the clinical significance of this variant is uncertain due to the absence of conclusive functional and genetic evidence.

Labcorp Genetics (formerly Invitae), Labcorp
Classification: Uncertain significance for Familial episodic pain syndrome with predominantly lower limb involvement; Hereditary sensory and autonomic neuropathy type 7. Last evaluated: 2025-02-11. Review status: criteria provided, single submitter. Criteria: Invitae Variant Classification Sherloc (09022015). Collection method: clinical testing. Allele origin: germline.
Comment: This sequence change creates a premature translational stop signal (p.Ile1372Serfs*2) in the SCN11A gene. It is expected to result in an absent or disrupted protein product. However, the current clinical and genetic evidence is not sufficient to establish whether loss-of-function variants in SCN11A cause disease. This variant is present in population databases (no rsID available, gnomAD 0.002%). This variant has not been reported in the literature in individuals affected with SCN11A-related conditions. ClinVar contains an entry for this variant (Variation ID: 1493523). In summary, the available evidence is currently insufficient to determine the role of this variant in disease. Therefore, it has been classified as a Variant of Uncertain Significance.

CeGaT Center for Human Genetics Tuebingen
Classification: Uncertain significance. Last evaluated: 2024-11-01. Review status: criteria provided, single submitter. Criteria: CeGaT Center For Human Genetics Tuebingen Variant Classification Criteria Version 2. Collection method: clinical testing. Allele origin: germline. Affected: yes. Observed: 1 variant allele.